The following is an entry in ClinVar:

ClinVar aggregate classification (germline): Uncertain significance (0 of 4 stars; one submission).

Conditions:
DNAH9-related disorder. Also called: DNAH9-related condition.

Allele frequency attached by ClinVar (database versions not stated): gnomAD 0.00001; TOPMed 0.00002; ExAC 0.00004.
gnomAD v4.1: 36 of 1,613,446 alleles (0.0022%); highest among the groups gnomAD compares: East Asian, 0.0067%; no homozygotes.

Submission:

PreventionGenetics, part of Exact Sciences
Classification: Uncertain significance for DNAH9-related condition. Last evaluated: 2024-08-02. Review status: no assertion criteria provided. Collection method: clinical testing. Allele origin: germline.
Comment: The DNAH9 c.4144C>T variant is predicted to result in the amino acid substitution p.Arg1382Trp. To our knowledge, this variant has not been reported in the literature. This variant is reported in 0.011% of alleles in individuals of East Asian descent in gnomAD. At this time, the clinical significance of this variant is uncertain due to the absence of conclusive functional and genetic evidence.

NM_001372.4(DNAH9):c.4144C>T (p.Arg1382Trp)

Gene: DNAH9 (dynein axonemal heavy chain 9; plus strand). Cytogenetic location: 17p12.
Variant type: single nucleotide variant.
Coding change: c.4144C>T on transcript NM_001372.4 (MANE Select); coding-DNA position 4144, C replaced by T.
Protein change: p.Arg1382Trp; replaces arginine 1382 with tryptophan.
Molecular consequence: missense variant.
Genome position (GRCh38, 1-based): chr17:11,689,966, C>T. VCF-style: chr17-11689966-C-T. GRCh37 (hg19) VCF-style: chr17-11593283-C-T.
Other names: short protein forms R1382W.
Identifiers: ClinVar variation 3036012 (VCV003036012.2), dbSNP rs761137020, ClinGen allele CA8395609.